The following is an entry in ClinVar:

NM_001035.3(RYR2):c.12857C>G (p.Ser4286Cys)

Genes: RYR2 (ryanodine receptor 2; plus strand), LOC126806068 (BRD4-independent group 4 enhancer GRCh37_chr1:237947411-237948610; plus strand). Cytogenetic location: 1q43.
Variant type: single nucleotide variant.
Coding change: c.12857C>G on transcript NM_001035.3 (MANE Select); coding-DNA position 12857, C replaced by G.
Protein change: p.Ser4286Cys; replaces serine 4286 with cysteine.
Molecular consequence: missense variant.
Genome position (GRCh38, 1-based): chr1:237,784,569, C>G. VCF-style: chr1-237784569-C-G. GRCh37 (hg19) VCF-style: chr1-237947869-C-G.
Other names: short protein forms S4286C.
Identifiers: ClinVar variation 1377488 (VCV001377488.7), dbSNP rs2149355491, ClinGen allele CA345414471.

ClinVar aggregate classification (germline): Uncertain significance (1 of 4 stars; one submission).

Conditions:
Catecholaminergic polymorphic ventricular tachycardia 1. Also called: RYR2-Related Catecholaminergic Polymorphic Ventricular Tachycardia; VENTRICULAR TACHYCARDIA, CATECHOLAMINERGIC POLYMORPHIC, 1, WITH OR WITHOUT ATRIAL DYSFUNCTION AND/OR DILATED CARDIOMYOPATHY; VENTRICULAR TACHYCARDIA, STRESS-INDUCED POLYMORPHIC 1. Identifiers: Orphanet 3286, MedGen C1631597, MONDO:0011484, OMIM 604772.

gnomAD v4.1: 2 of 1,613,944 alleles (0.00012%); highest among the groups gnomAD compares: Non-Finnish European, 0.00017%; no homozygotes.

Submission:

Labcorp Genetics (formerly Invitae), Labcorp
Classification: Uncertain significance for Catecholaminergic polymorphic ventricular tachycardia 1. Last evaluated: 2025-11-27. Review status: criteria provided, single submitter. Criteria: Invitae Variant Classification Sherloc (09022015). Collection method: clinical testing. Allele origin: germline.
Comment: This sequence change replaces serine, which is neutral and polar, with cysteine, which is neutral and slightly polar, at codon 4286 of the RYR2 protein (p.Ser4286Cys). This variant is not present in population databases (gnomAD no frequency). This variant has not been reported in the literature in individuals affected with RYR2-related conditions. ClinVar contains an entry for this variant (Variation ID: 1377488). Invitae Evidence Modeling of protein sequence and biophysical properties (such as structural, functional, and spatial information, amino acid conservation, physicochemical variation, residue mobility, and thermodynamic stability) indicates that this missense variant is not expected to disrupt RYR2 protein function with a negative predictive value of 95%. In summary, the available evidence is currently insufficient to determine the role of this variant in disease. Therefore, it has been classified as a Variant of Uncertain Significance.